The following is an entry in ClinVar:

NM_001001557.4(GDF6):c.770C>T (p.Pro257Leu)

Gene: GDF6 (growth differentiation factor 6; minus strand). Cytogenetic location: 8q22.1.
Variant type: single nucleotide variant.
Coding change: c.770C>T on transcript NM_001001557.4 (MANE Select); coding-DNA position 770, C replaced by T.
Protein change: p.Pro257Leu; replaces proline 257 with leucine.
Molecular consequence: missense variant.
Genome position (GRCh38, 1-based): chr8:96,145,161, G>A on the plus strand (C>T on the coding strand, the complement: GDF6 is on the minus strand). VCF-style: chr8-96145161-G-A. GRCh37 (hg19) VCF-style: chr8-97157389-G-A.
Other names: c.770C>T (NM_001001557.3); short protein forms P257L.
Identifiers: ClinVar variation 364047 (VCV000364047.53), dbSNP rs886063208, ClinGen allele CA10631741.

ClinVar aggregate classification (germline): Conflicting classifications of pathogenicity. Review status: criteria provided, conflicting classifications (1 of 4 stars). 6 submissions from 6 submitters: Uncertain significance (5); Likely benign (1). Last evaluated 2026-03-27.

Conditions:
GDF6-related disorder. Also called: GDF6-related condition.
Inborn genetic diseases. Identifiers: MedGen C0950123, MeSH D030342.
Leber congenital amaurosis 17 (LCA17). Identifiers: Orphanet 65, MedGen C3715164, MONDO:0014145, OMIM 615360.
Klippel-Feil syndrome 1, autosomal dominant (KFS1). Also called: CERVICAL VERTEBRAL FUSION, AUTOSOMAL DOMINANT. Identifiers: Orphanet 2345, MedGen C1861689, MONDO:0007306, OMIM 118100.
Isolated microphthalmia 4. Identifiers: Orphanet 2542, MedGen C2751307, MONDO:0013130, OMIM 613094.
Microphthalmia, isolated, with coloboma 6 (MCOPCB6). Also called: Microphthalmia with coloboma 6, digenic; Microphthalmia with coloboma 6; MICROPHTHALMIA/COLOBOMA 6. Identifiers: Orphanet 98938, MedGen C3150968, MONDO:0013376, OMIM 613703.

Allele frequency attached by ClinVar (database versions not stated): gnomAD 0.00003; TOPMed 0.00006.

Submissions (6):

PreventionGenetics, part of Exact Sciences
Classification: Uncertain significance for GDF6-related condition. Last evaluated: 2026-03-27. Review status: criteria provided, single submitter. Criteria: ACMG Guidelines, 2015. Collection method: clinical testing. Allele origin: germline.
Comment: The GDF6 c.770C>T variant is predicted to result in the amino acid substitution p.Pro257Leu. To our knowledge, this variant has not been reported in the literature. This variant is reported in 0.0018% of alleles in individuals of European (Non-Finnish) descent in gnomAD. At this time, the clinical significance of this variant is uncertain due to the absence of conclusive functional and genetic evidence.

Labcorp Genetics (formerly Invitae), Labcorp
Classification: Uncertain significance for Isolated microphthalmia 4; Leber congenital amaurosis 17; Klippel-Feil syndrome 1, autosomal dominant; Microphthalmia, isolated, with coloboma 6. Last evaluated: 2025-08-06. Review status: criteria provided, single submitter. Criteria: Invitae Variant Classification Sherloc (09022015). Collection method: clinical testing. Allele origin: germline.
Comment: This sequence change replaces proline, which is neutral and non-polar, with leucine, which is neutral and non-polar, at codon 257 of the GDF6 protein (p.Pro257Leu). This variant is present in population databases (no rsID available, gnomAD 0.002%). This variant has not been reported in the literature in individuals affected with GDF6-related conditions. ClinVar contains an entry for this variant (Variation ID: 364047). Invitae Evidence Modeling of protein sequence and biophysical properties (such as structural, functional, and spatial information, amino acid conservation, physicochemical variation, residue mobility, and thermodynamic stability) indicates that this missense variant is not expected to disrupt GDF6 protein function with a negative predictive value of 80%. In summary, the available evidence is currently insufficient to determine the role of this variant in disease. Therefore, it has been classified as a Variant of Uncertain Significance.

Women's Health and Genetics/Laboratory Corporation of America, LabCorp
Classification: Uncertain significance. Last evaluated: 2024-05-09. Review status: criteria provided, single submitter. Criteria: LabCorp Variant Classification Summary - May 2015. Collection method: clinical testing. Allele origin: germline.
Comment: Variant summary: GDF6 c.770C>T (p.Pro257Leu) results in a non-conservative amino acid change in the encoded protein sequence. Four of five in-silico tools predict a benign effect of the variant on protein function. The variant allele was found at a frequency of 3.5e-05 in 1502892 control chromosomes (gnomAD database, v4.0.0). The available data on variant occurrences in the general population are insufficient to allow any conclusion about variant significance. To our knowledge, no occurrence of c.770C>T in individuals affected with GDF6-Related Disorders and no experimental evidence demonstrating its impact on protein function have been reported. ClinVar contains an entry for this variant (Variation ID: 364047). Based on the evidence outlined above, the variant was classified as uncertain significance.

Ambry Genetics
Classification: Uncertain significance for Inborn genetic diseases. Last evaluated: 2021-08-17. Review status: criteria provided, single submitter. Criteria: Ambry Variant Classification Scheme 2023. Collection method: clinical testing. Allele origin: germline.

CeGaT Center for Human Genetics Tuebingen
Classification: Likely benign. Last evaluated: 2020-06-01. Review status: criteria provided, single submitter. Criteria: CeGaT Center For Human Genetics Tuebingen Variant Classification Criteria Version 2. Collection method: clinical testing. Allele origin: germline. Affected: yes. Observed: 1 variant allele.

Illumina Laboratory Services, Illumina
Classification: Uncertain significance for Klippel-Feil syndrome 1, autosomal dominant. Last evaluated: 2018-01-13. Review status: criteria provided, single submitter. Criteria: ICSL Variant Classification Criteria 13 December 2019. Collection method: clinical testing. Allele origin: germline.